The following is an entry in ClinVar:

ClinVar aggregate classification (germline): Pathogenic (1 of 4 stars; one submission).

Conditions:
Angelman syndrome-like. Identifiers: MedGen CN128785.
Developmental and epileptic encephalopathy, 2 (DEE2). Also called: INFANTILE SPASM SYNDROME, X-LINKED 2; CDKL5 deficiency disorder. Identifiers: Orphanet 1934, Orphanet 3451, Orphanet 505652, MedGen C4750718, MONDO:0010396, OMIM 300672.

Submission:

Labcorp Genetics (formerly Invitae), Labcorp
Classification: Pathogenic for Developmental and epileptic encephalopathy, 2; Angelman syndrome-like. Last evaluated: 2017-07-18. Review status: criteria provided, single submitter. Criteria: Invitae Variant Classification Sherloc (09022015). Collection method: clinical testing. Allele origin: germline.
Comment: For these reasons, this variant has been classified as Pathogenic. Family studies have indicated that this duplication was not present in the parents of an individual with CDKL5-related disease, which suggests that it was de novo in that affected individual (Invitae). This variant is a gross duplication of the genomic region encompassing exons 2-3 ¬†of the CDKL5 gene. The 5' end of this event is unknown as it extends beyond the assayed region for this gene and therefore may encompass additional genes. The 3' boundary is likely confined to intron 3 of the CDKL5 gene.

NC_000023.10:g.(?_18525211)_(18528980_?)dup

Gene: CDKL5 (cyclin dependent kinase like 5; plus strand). Cytogenetic location: Xp22.13.
Variant type: Duplication.
Identifiers: ClinVar variation 1070859 (VCV001070859.9).